The following is an entry in ClinVar:

ClinVar aggregate classification (germline): Uncertain significance. Review status: criteria provided, multiple submitters, no conflicts (2 of 4 stars). 3 submissions from 3 submitters: Uncertain significance (3). Last evaluated 2025-03-30.

Conditions:
Autosomal recessive limb-girdle muscular dystrophy type 2W (MDRCMTT). Also called: Muscular dystrophy, autosomal recessive, with cardiomyopathy and triangular tongue; Muscular dystrophy, limb-girdle, type 2W. Identifiers: MedGen C4225192, MONDO:0014788, OMIM 616827.

Allele frequency attached by ClinVar (database versions not stated): gnomAD 0.00001; gnomAD exomes 0.00001 and 0.00004; ExAC 0.00002; TOPMed 0.00003.
gnomAD v4.1: 27 of 1,613,736 alleles (0.0017%); highest among the groups gnomAD compares: East Asian, 0.036%; no homozygotes.

Submissions (3):

Ambry Genetics
Classification: Uncertain significance. Last evaluated: 2025-03-30. Review status: criteria provided, single submitter. Criteria: Ambry Variant Classification Scheme 2023. Collection method: clinical testing. Allele origin: germline.

Blueprint Genetics
Classification: Uncertain significance. Last evaluated: 2024-09-09. Review status: criteria provided, single submitter. Criteria: ACMG Guidelines, 2015. Collection method: clinical testing. Allele origin: germline.

Labcorp Genetics (formerly Invitae), Labcorp
Classification: Uncertain significance for Autosomal recessive limb-girdle muscular dystrophy type 2W. Last evaluated: 2024-05-20. Review status: criteria provided, single submitter. Criteria: Invitae Variant Classification Sherloc (09022015). Collection method: clinical testing. Allele origin: germline.
Comment: This sequence change replaces glutamic acid, which is acidic and polar, with aspartic acid, which is acidic and polar, at codon 60 of the LIMS2 protein (p.Glu60Asp). This variant is present in population databases (rs374132948, gnomAD 0.06%). This variant has not been reported in the literature in individuals affected with LIMS2-related conditions. ClinVar contains an entry for this variant (Variation ID: 850715). An algorithm developed to predict the effect of missense changes on protein structure and function (PolyPhen-2) suggests that this variant is likely to be disruptive. In summary, the available evidence is currently insufficient to determine the role of this variant in disease. Therefore, it has been classified as a Variant of Uncertain Significance.

NM_001161403.3(LIMS2):c.114G>C (p.Glu38Asp)

Gene: LIMS2 (LIM zinc finger domain containing 2; minus strand). Cytogenetic location: 2q14.3.
Variant type: single nucleotide variant.
Coding change: c.114G>C on transcript NM_001161403.3 (MANE Select); coding-DNA position 114, G replaced by C.
Protein change: p.Glu38Asp; replaces glutamic acid 38 with aspartic acid.
Molecular consequence: missense variant.
Genome position (GRCh38, 1-based): chr2:127,657,460, C>G on the plus strand (G>C on the coding strand, the complement: LIMS2 is on the minus strand). VCF-style: chr2-127657460-C-G. GRCh37 (hg19) VCF-style: chr2-128415034-C-G.
Other names: c.186G>C (NM_017980.4); c.180G>C, p.Glu60Asp (NM_001136037.4); c.99G>C, p.Glu33Asp (NM_001161404.2); c.186G>C, p.Glu62Asp (NM_017980.5); short protein forms E62D, E38D, E60D, E33D.
Identifiers: ClinVar variation 850715 (VCV000850715.12), dbSNP rs374132948, ClinGen allele CA1863566.
Genomic context (GRCh38, chr2:127,657,460, plus strand): 5'-CACCTCATAGAAGAGCCCCTCGGGGAAGGGCCGGAAGCACTGGGCACACACGAAGCAGTG[C>G]TCATGGTACAGCTCCCCATTGCTGTTGACAATGCGCTCGGCGGGGGAGAAGCGGGCCTGG-3'
Protein context (NP_001154875.1, residues 28-48): IVNSNGELYH[Glu38Asp]HCFVCAQCFR